The following is an entry in ClinVar:

ClinVar aggregate classification (germline): Uncertain significance (0 of 4 stars; one submission).

Conditions:
Familial long QT syndrome (RWS). Also called: Romano-Ward syndrome; VENTRICULAR FIBRILLATION WITH PROLONGED QT INTERVAL; Congenital long QT syndrome. Identifiers: Orphanet 768, MedGen C1141890, MONDO:0019171.

Submission:

Genetics and Genomics Program, Sidra Medicine
Classification: Uncertain significance for Isolated congenital long QT syndrome. Review status: no assertion criteria provided. Collection method: research. Allele origin: unknown. Affected: yes.
Comment: The c.41914C>T missense variant in MUC16 is absent from population databases like gnomAD (PM2). ACMG codes: PM2, BP7.

NM_001401501.2(MUC16):c.44440C>T (p.Arg14814Trp)

Gene: MUC16 (mucin 16, cell surface associated; minus strand). Cytogenetic location: 19p13.2.
Variant type: single nucleotide variant.
Coding change: c.44440C>T on transcript NM_001401501.2 (MANE Select); coding-DNA position 44440, C replaced by T.
Protein change: p.Arg14814Trp; replaces arginine 14814 with tryptophan.
Molecular consequence: missense variant.
Genome position (GRCh38, 1-based): chr19:8,876,400, G>A on the plus strand (C>T on the coding strand, the complement: MUC16 is on the minus strand). VCF-style: chr19-8876400-G-A. GRCh37 (hg19) VCF-style: chr19-8987076-G-A.
Other names: c.44866C>T, p.Arg14956Trp (NM_001414686.1); c.44320C>T, p.Arg14774Trp (NM_001414687.1); c.41914C>T, p.Arg13972Trp (NM_024690.2); short protein forms R13972W, R14774W, R14814W, R14956W.
Identifiers: ClinVar variation 3358889 (VCV003358889.1).
Genomic context (GRCh38, chr19:8,876,400, plus strand): 5'-GGTGCGCTGTGGGTGGGGGAGTTTCTCACCTTAGTGCGATGACCCTGCAGCCTGTGTACC[G>A]TGCACCCAGGCTGCTCCTCTGGAACAAAGGACTGAGCTGCAGAGGGAGAAGGGAGCTTGG-3'
Protein context (NP_001388430.1, residues 14804-14824): PLFQRSSLGA[Arg14814Trp]YTGCRVIALR